The following is an entry in ClinVar:

NM_000551.4(VHL):c.340+837A>T

Genes: VHL (von Hippel-Lindau tumor suppressor; plus strand), LOC107303340 (3p25 von Hippel-Lindau tumor suppressor, E3 ubiquitin protein ligase Alu-mediated recombination region; plus strand). Cytogenetic location: 3p25.3.
Variant type: single nucleotide variant.
Coding change: c.340+837A>T on transcript NM_000551.4 (MANE Select); 837 bases into the intron after coding-DNA position 340, A replaced by T.
Molecular consequence: intron variant.
Genome position (GRCh38, 1-based): chr3:10,143,024, A>T. VCF-style: chr3-10143024-A-T. GRCh37 (hg19) VCF-style: chr3-10184708-A-T.
Other names: c.*17+3A>T (NM_001354723.2); c.340+837A>T (NM_198156.3).
Identifiers: ClinVar variation 1384826 (VCV001384826.8), dbSNP rs190906863, ClinGen allele CA2573136156.

ClinVar aggregate classification (germline): Uncertain significance (1 of 4 stars; one submission).

Conditions:
Chuvash polycythemia. Also called: POLYCYTHEMIA, VHL-DEPENDENT. Identifiers: Orphanet 238557, MedGen C1837915, MONDO:0009892, OMIM 263400.
Von Hippel-Lindau syndrome (VHLS). Also called: Von Hippel-Lindau; von Hippel–Lindau syndrome; VHL syndrome. Identifiers: Orphanet 892, MedGen C0019562, MONDO:0008667, OMIM 193300. Disease mechanism: loss of function.

Submission:

Labcorp Genetics (formerly Invitae), Labcorp
Classification: Uncertain significance for Von Hippel-Lindau syndrome; Chuvash polycythemia. Last evaluated: 2022-10-10. Review status: criteria provided, single submitter. Criteria: Invitae Variant Classification Sherloc (09022015). Collection method: clinical testing. Allele origin: germline.
Comment: This variant has not been reported in the literature in individuals affected with VHL-related conditions. This variant is not present in population databases (gnomAD no frequency). This sequence change falls in intron 1 of the VHL gene. It does not directly change the encoded amino acid sequence of the VHL protein. ClinVar contains an entry for this variant (Variation ID: 1384826). In summary, the available evidence is currently insufficient to determine the role of this variant in disease. Therefore, it has been classified as a Variant of Uncertain Significance. Algorithms developed to predict the effect of sequence changes on RNA splicing suggest that this variant may disrupt the consensus splice site. Experimental studies and prediction algorithms are not available or were not evaluated, and the functional significance of this variant is currently unknown.